The following is an entry in ClinVar:

ClinVar aggregate classification (germline): Uncertain significance (1 of 4 stars; one submission).

Allele frequency attached by ClinVar (database versions not stated): ExAC 0.00001; gnomAD exomes 0.00001; gnomAD 0.00003 and 0.00004; TOPMed 0.00003.
gnomAD v4.1: 17 of 1,613,834 alleles (0.0011%); highest among the groups gnomAD compares: African/African-American, 0.011%; no homozygotes.

Submission:

Labcorp Genetics (formerly Invitae), Labcorp
Classification: Uncertain significance. Last evaluated: 2024-11-05. Review status: criteria provided, single submitter. Criteria: Invitae Variant Classification Sherloc (09022015). Collection method: clinical testing. Allele origin: germline.
Comment: This sequence change replaces arginine, which is basic and polar, with histidine, which is basic and polar, at codon 510 of the PDE6C protein (p.Arg510His). This variant is present in population databases (rs747162323, gnomAD 0.01%). This variant has not been reported in the literature in individuals affected with PDE6C-related conditions. ClinVar contains an entry for this variant (Variation ID: 1058827). Invitae Evidence Modeling of protein sequence and biophysical properties (such as structural, functional, and spatial information, amino acid conservation, physicochemical variation, residue mobility, and thermodynamic stability) indicates that this missense variant is not expected to disrupt PDE6C protein function with a negative predictive value of 95%. In summary, the available evidence is currently insufficient to determine the role of this variant in disease. Therefore, it has been classified as a Variant of Uncertain Significance.

NM_006204.4(PDE6C):c.1529G>A (p.Arg510His)

Gene: PDE6C (phosphodiesterase 6C; plus strand). Cytogenetic location: 10q23.33.
Variant type: single nucleotide variant.
Coding change: c.1529G>A on transcript NM_006204.4 (MANE Select); coding-DNA position 1529, G replaced by A.
Protein change: p.Arg510His; replaces arginine 510 with histidine.
Molecular consequence: missense variant.
Genome position (GRCh38, 1-based): chr10:93,640,116, G>A. VCF-style: chr10-93640116-G-A. GRCh37 (hg19) VCF-style: chr10-95399873-G-A.
Other names: short protein forms R510H.
Identifiers: ClinVar variation 1058827 (VCV001058827.8), dbSNP rs747162323, ClinGen allele CA5610223.